The following is an entry in ClinVar:

NM_001142800.2(EYS):c.9085T>A (p.Ser3029Thr)

Genes: EYS (EGF-like photoreceptor maintenance factor; minus strand), PHF3 (PHD finger protein 3; plus strand). Cytogenetic location: 6q12.
Variant type: single nucleotide variant.
Coding change: c.9085T>A on transcript NM_001142800.2 (MANE Select); coding-DNA position 9085, T replaced by A.
Protein change: p.Ser3029Thr; replaces serine 3029 with threonine.
Molecular consequence: missense variant. On other transcripts: 3 prime UTR variant (5).
Genome position (GRCh38, 1-based): chr6:63,720,946, A>T on the plus strand (T>A on the coding strand, the complement: EYS is on the minus strand). VCF-style: chr6-63720946-A-T. GRCh37 (hg19) VCF-style: chr6-64430842-A-T.
Other names: c.*7238A>T (NM_001290259.2, NM_001370348.2, NM_001370349.2 and 2 more transcripts); c.9148T>A, p.Ser3050Thr (NM_001292009.2); short protein forms S3050T, S3029T.
Identifiers: ClinVar variation 1382512 (VCV001382512.6), dbSNP rs2149624091, ClinGen allele CA364383296.

ClinVar aggregate classification (germline): Uncertain significance (1 of 4 stars; one submission).

Submission:

Labcorp Genetics (formerly Invitae), Labcorp
Classification: Uncertain significance. Last evaluated: 2021-09-20. Review status: criteria provided, single submitter. Criteria: Invitae Variant Classification Sherloc (09022015). Collection method: clinical testing. Allele origin: germline.
Comment: This sequence change replaces serine with threonine at codon 3029 of the EYS protein (p.Ser3029Thr). The serine residue is moderately conserved and there is a small physicochemical difference between serine and threonine. This variant is not present in population databases (ExAC no frequency). This variant has not been reported in the literature in individuals affected with EYS-related conditions. Algorithms developed to predict the effect of missense changes on protein structure and function (SIFT, PolyPhen-2, Align-GVGD) all suggest that this variant is likely to be tolerated. In summary, the available evidence is currently insufficient to determine the role of this variant in disease. Therefore, it has been classified as a Variant of Uncertain Significance.